The following is an entry in ClinVar:

NM_017491.5(WDR1):c.243G>A (p.Lys81=)

Gene: WDR1 (WD repeat domain 1; minus strand). Cytogenetic location: 4p16.1.
Variant type: single nucleotide variant.
Coding change: c.243G>A on transcript NM_017491.5 (MANE Select); coding-DNA position 243, G replaced by A.
Protein change: p.Lys81=; no amino-acid change (lysine 81 retained).
Molecular consequence: synonymous variant. On other transcripts: intron variant (1).
Genome position (GRCh38, 1-based): chr4:10,099,126, C>T on the plus strand (G>A on the coding strand, the complement: WDR1 is on the minus strand). VCF-style: chr4-10099126-C-T. GRCh37 (hg19) VCF-style: chr4-10100750-C-T.
Other names: c.139-10385G>A (NM_005112.5).
Identifiers: ClinVar variation 1176476 (VCV001176476.41), dbSNP rs770276594, ClinGen allele CA2858126.

ClinVar aggregate classification (germline): Likely benign. Review status: criteria provided, multiple submitters, no conflicts (2 of 4 stars). 2 submissions from 2 submitters: Likely benign (2). Last evaluated 2024-06-03.

Allele frequency attached by ClinVar (database versions not stated): TOPMed 0.00003; ExAC 0.00004.
gnomAD v4.1: 35 of 1,511,082 alleles (0.0023%); highest among the groups gnomAD compares: Non-Finnish European, 0.003%; no homozygotes.

Submissions (2):

Labcorp Genetics (formerly Invitae), Labcorp
Classification: Likely benign. Last evaluated: 2024-06-03. Review status: criteria provided, single submitter. Criteria: Invitae Variant Classification Sherloc (09022015). Collection method: clinical testing. Allele origin: germline.

CeGaT Center for Human Genetics Tuebingen
Classification: Likely benign. Last evaluated: 2022-03-01. Review status: criteria provided, single submitter. Criteria: CeGaT Center For Human Genetics Tuebingen Variant Classification Criteria Version 2. Collection method: clinical testing. Allele origin: germline. Affected: yes. Observed: 2 variant alleles.
Comment: WDR1: BP4, BP7